The following is an entry in ClinVar:

NM_004006.3(DMD):c.3688C>T (p.Pro1230Ser)

Gene: DMD (dystrophin; minus strand). Cytogenetic location: Xp21.1.
Variant type: single nucleotide variant.
Coding change: c.3688C>T on transcript NM_004006.3 (MANE Select); coding-DNA position 3688, C replaced by T.
Protein change: p.Pro1230Ser; replaces proline 1230 with serine.
Molecular consequence: missense variant.
Genome position (GRCh38, 1-based): chrX:32,448,554, G>A on the plus strand (C>T on the coding strand, the complement: DMD is on the minus strand). VCF-style: chrX-32448554-G-A. GRCh37 (hg19) VCF-style: chrX-32466671-G-A.
Other names: c.3688C>T (NM_004006.2); c.3664C>T, p.Pro1222Ser (NM_000109.4); c.3676C>T, p.Pro1226Ser (NM_004009.3); c.3319C>T, p.Pro1107Ser (NM_004010.3); short protein forms P1230S, P1226S, P1107S, P1222S.
Identifiers: ClinVar variation 284404 (VCV000284404.9), dbSNP rs886042862, ClinGen allele CA10604784.

ClinVar aggregate classification (germline): Conflicting classifications of pathogenicity. Review status: criteria provided, conflicting classifications (1 of 4 stars). 3 submissions from 3 submitters: Uncertain significance (2); Likely benign (1). Last evaluated 2025-10-07.

Conditions:
Cardiovascular phenotype. Identifiers: MedGen CN230736.
Duchenne muscular dystrophy (DMD). Also called: Duchenne Muscular Dystrophy (DMD); MUSCULAR DYSTROPHY, PSEUDOHYPERTROPHIC PROGRESSIVE, DUCHENNE TYPE. Identifiers: Orphanet 98896, MedGen C0013264, MONDO:0010679, OMIM 310200.

Allele frequency attached by ClinVar (database versions not stated): gnomAD exomes 0.00001.
gnomAD v4.1: 12 of 1,208,597 alleles (0.00099%); highest among the groups gnomAD compares: Non-Finnish European, 0.0013%; no homozygotes.

Submissions (3):

Labcorp Genetics (formerly Invitae), Labcorp
Classification: Uncertain significance for Duchenne muscular dystrophy. Last evaluated: 2025-10-07. Review status: criteria provided, single submitter. Criteria: Invitae Variant Classification Sherloc (09022015). Collection method: clinical testing. Allele origin: germline.
Comment: This sequence change replaces proline, which is neutral and non-polar, with serine, which is neutral and polar, at codon 1230 of the DMD protein (p.Pro1230Ser). This variant is present in population databases (no rsID available, gnomAD 0.001%). This variant has not been reported in the literature in individuals affected with DMD-related conditions. ClinVar contains an entry for this variant (Variation ID: 284404). Invitae Evidence Modeling of protein sequence and biophysical properties (such as structural, functional, and spatial information, amino acid conservation, physicochemical variation, residue mobility, and thermodynamic stability) indicates that this missense variant is not expected to disrupt DMD protein function with a negative predictive value of 95%. In summary, the available evidence is currently insufficient to determine the role of this variant in disease. Therefore, it has been classified as a Variant of Uncertain Significance.

Ambry Genetics
Classification: Likely benign for Cardiovascular phenotype. Last evaluated: 2024-07-24. Review status: criteria provided, single submitter. Criteria: Ambry Variant Classification Scheme 2023. Collection method: clinical testing. Allele origin: germline.

Eurofins Ntd Llc (ga)
Classification: Uncertain significance. Last evaluated: 2015-11-06. Review status: criteria provided, single submitter. Criteria: EGL Classification Definitions 2015. Collection method: clinical testing. Allele origin: germline. Observed: 1 variant allele, 1 hemizygote.